The following is an entry in ClinVar:

ClinVar aggregate classification (germline): Uncertain significance (1 of 4 stars; one submission).

Conditions:
Hereditary cancer-predisposing syndrome. Also called: Neoplastic Syndromes, Hereditary; Tumor predisposition; Hereditary Cancer Syndrome; Hereditary neoplastic syndrome. Identifiers: Orphanet 140162, MedGen C0027672, MeSH D009386, MONDO:0015356.

Submission:

Ambry Genetics
Classification: Uncertain significance for Hereditary cancer-predisposing syndrome. Last evaluated: 2022-01-04. Review status: criteria provided, single submitter. Criteria: Ambry Variant Classification Scheme 2023. Collection method: clinical testing. Allele origin: germline.
Comment: The p.G33R variant (also known as c.97G>A), located in coding exon 2 of the MRE11A gene, results from a G to A substitution at nucleotide position 97. The glycine at codon 33 is replaced by arginine, an amino acid with dissimilar properties. This amino acid position is conserved. In addition, this alteration is predicted to be deleterious by in silico analysis. Since supporting evidence is limited at this time, the clinical significance of this alteration remains unclear.

NM_005591.4(MRE11):c.97G>A (p.Gly33Arg)

Gene: MRE11 (MRE11 double strand break repair nuclease; minus strand). Cytogenetic location: 11q21.
Variant type: single nucleotide variant.
Coding change: c.97G>A on transcript NM_005591.4 (MANE Select); coding-DNA position 97, G replaced by A.
Protein change: p.Gly33Arg; replaces glycine 33 with arginine.
Molecular consequence: missense variant.
Genome position (GRCh38, 1-based): chr11:94,490,889, C>T on the plus strand (G>A on the coding strand, the complement: MRE11 is on the minus strand). VCF-style: chr11-94490889-C-T. GRCh37 (hg19) VCF-style: chr11-94224055-C-T.
Other names: c.97G>A, p.Gly33Arg (NM_001330347.2, NM_005590.4); short protein forms G33R.
Identifiers: ClinVar variation 1799762 (VCV001799762.2), dbSNP rs2496653021, ClinGen allele CA382380772.